The following is an entry in ClinVar:

ClinVar aggregate classification (germline): Likely pathogenic (1 of 4 stars; one submission).

Conditions:
Ichthyosis prematurity syndrome (IPS). Also called: ICHTHYOSIS CONGENITA IV. Identifiers: Orphanet 88621, MedGen C1837610, MONDO:0012089, OMIM 608649.

Submission:

Molecular Genetics Department, Kulakov National Medical Research Center for Obstetrics, Gynecology and Perinatology
Classification: Likely pathogenic for Ichthyosis prematurity syndrome. Review status: criteria provided, single submitter. Criteria: ACMG Guidelines, 2015. Collection method: clinical testing. Allele origin: maternal. Affected: yes.
Comment: A previously undescribed nucleotide variant creates a missense p.Asp280Val in the SLC27A4 gene. Homozygous and compound heterozygous variants are reported in patients with Ichthyosis prematurity syndrome, 608649. Pathogenicity prediction algorithms classify the variant as pathogenic (PolyPhen-2: 1.0; Sift: 0.0). The variant is not present in gnomAD population database (no frequency). In summary, the currently available evidence indicates that the variant is pathogenic, but additional data are needed to prove that conclusively. Therefore, this variant has been classified as likely pathogenic.

NM_005094.4(SLC27A4):c.839A>T (p.Asp280Val)

Gene: SLC27A4 (solute carrier family 27 member 4; plus strand). Cytogenetic location: 9q34.11.
Variant type: single nucleotide variant.
Coding change: c.839A>T on transcript NM_005094.4 (MANE Select); coding-DNA position 839, A replaced by T.
Protein change: p.Asp280Val; replaces aspartic acid 280 with valine.
Molecular consequence: missense variant.
Genome position (GRCh38, 1-based): chr9:128,350,537, A>T. VCF-style: chr9-128350537-A-T. GRCh37 (hg19) VCF-style: chr9-131112816-A-T.
Other names: short protein forms D280V.
Identifiers: ClinVar variation 3062255 (VCV003062255.1), dbSNP rs2539457972, ClinGen allele CA375033030.